The following is an entry in ClinVar:

NM_000051.4(ATM):c.6888del (p.Gln2297fs)

Genes: ATM (ATM serine/threonine kinase; plus strand), C11orf65 (chromosome 11 open reading frame 65; minus strand). Cytogenetic location: 11q22.3.
Variant type: Deletion.
Coding change: c.6888del on transcript NM_000051.4 (MANE Select); coding-DNA position 6888, one base deleted (A; older notation c.6888delA).
Protein change: p.Gln2297fs; shifts the reading frame from glutamine 2297.
Molecular consequence: frameshift variant. On other transcripts: intron variant (2).
Genome position (GRCh38, 1-based): chr11:108,326,138, A deleted. VCF-style (leftmost placement, unchanged base first): chr11-108326137-CA-C. GRCh37 (hg19) VCF-style: chr11-108196864-CA-C.
Other names: c.6888del, p.Gln2297fs (NM_001351834.2); c.641-17067del (NM_001330368.2); c.*38+9082del (NM_001351110.2); short protein forms Q2297fs.
Identifiers: ClinVar variation 1755972 (VCV001755972.2), dbSNP rs2547217135, ClinGen allele CA2580083131.

ClinVar aggregate classification (germline): Pathogenic (1 of 4 stars; one submission).

Conditions:
Hereditary cancer-predisposing syndrome. Also called: Hereditary neoplastic syndrome; Neoplastic Syndromes, Hereditary; Tumor predisposition; Hereditary Cancer Syndrome. Identifiers: Orphanet 140162, MedGen C0027672, MeSH D009386, MONDO:0015356.

Submission:

Ambry Genetics
Classification: Pathogenic for Hereditary cancer-predisposing syndrome. Last evaluated: 2017-10-30. Review status: criteria provided, single submitter. Criteria: Ambry Variant Classification Scheme 2023. Collection method: clinical testing. Allele origin: germline.
Comment: The c.6888delA pathogenic mutation, located in coding exon 46 of the ATM gene, results from a deletion of one nucleotide at nucleotide position 6888, causing a translational frameshift with a predicted alternate stop codon (p.Q2297Kfs*13). This alteration is expected to result in loss of function by premature protein truncation or nonsense-mediated mRNA decay. As such, this alteration is interpreted as a disease-causing mutation.